The following is an entry in ClinVar:

NM_000642.3(AGL):c.1543A>G (p.Ile515Val)

Gene: AGL (amylo-alpha-1,6-glucosidase and 4-alpha-glucanotransferase; plus strand). Cytogenetic location: 1p21.2.
Variant type: single nucleotide variant.
Coding change: c.1543A>G on transcript NM_000642.3 (MANE Select); coding-DNA position 1543, A replaced by G.
Protein change: p.Ile515Val; replaces isoleucine 515 with valine.
Molecular consequence: missense variant.
Genome position (GRCh38, 1-based): chr1:99,877,760, A>G. VCF-style: chr1-99877760-A-G. GRCh37 (hg19) VCF-style: chr1-100343316-A-G.
Other names: c.1543A>G, p.Ile515Val (NM_000028.3, NM_000643.3, NM_000644.3 and 2 more transcripts); c.1495A>G, p.Ile499Val (NM_000646.3); c.1342A>G, p.Ile448Val (NM_001425327.1); c.1339A>G, p.Ile447Val (NM_001425328.1, NM_001425329.1); c.1165A>G, p.Ile389Val (NM_001425332.1); short protein forms I515V, I499V, I389V, I447V, I448V.
Identifiers: ClinVar variation 2076374 (VCV002076374.2), dbSNP rs753336677, ClinGen allele CA966525.

ClinVar aggregate classification (germline): Uncertain significance (1 of 4 stars; one submission).

Conditions:
Glycogen storage disease type III (GSD3). Also called: Cori disease; FORBES DISEASE. Identifiers: Orphanet 366, MedGen C0017922, MONDO:0009291, OMIM 232400.

Allele frequency attached by ClinVar (database versions not stated): ExAC 0.00002.
gnomAD v4.1: 6 of 1,614,122 alleles (0.00037%); highest among the groups gnomAD compares: East Asian, 0.013%; no homozygotes.

Submission:

Labcorp Genetics (formerly Invitae), Labcorp
Classification: Uncertain significance for Glycogen storage disease type III. Last evaluated: 2022-01-11. Review status: criteria provided, single submitter. Criteria: Invitae Variant Classification Sherloc (09022015). Collection method: clinical testing. Allele origin: germline.
Comment: This variant is present in population databases (rs753336677, gnomAD 0.03%). In summary, the available evidence is currently insufficient to determine the role of this variant in disease. Therefore, it has been classified as a Variant of Uncertain Significance. Algorithms developed to predict the effect of sequence changes on RNA splicing suggest that this variant may create or strengthen a splice site. Algorithms developed to predict the effect of missense changes on protein structure and function (SIFT, PolyPhen-2, Align-GVGD) all suggest that this variant is likely to be tolerated. This variant has not been reported in the literature in individuals affected with AGL-related conditions. This sequence change replaces isoleucine, which is neutral and non-polar, with valine, which is neutral and non-polar, at codon 515 of the AGL protein (p.Ile515Val).